The following is an entry in ClinVar:

ClinVar aggregate classification (germline): Uncertain significance (1 of 4 stars; one submission).

gnomAD v4.1: 4 of 1,614,034 alleles (0.00025%); highest among the groups gnomAD compares: African/African-American, 0.0013%; no homozygotes.

Submission:

Labcorp Genetics (formerly Invitae), Labcorp
Classification: Uncertain significance. Last evaluated: 2024-06-17. Review status: criteria provided, single submitter. Criteria: Invitae Variant Classification Sherloc (09022015). Collection method: clinical testing. Allele origin: germline.
Comment: This sequence change replaces glutamic acid, which is acidic and polar, with glutamine, which is neutral and polar, at codon 2083 of the KMT2A protein (p.Glu2083Gln). This variant is not present in population databases (gnomAD no frequency). This variant has not been reported in the literature in individuals affected with KMT2A-related conditions. Advanced modeling of protein sequence and biophysical properties (such as structural, functional, and spatial information, amino acid conservation, physicochemical variation, residue mobility, and thermodynamic stability) has been performed at Invitae for this missense variant, however the output from this modeling did not meet the statistical confidence thresholds required to predict the impact of this variant on KMT2A protein function. In summary, the available evidence is currently insufficient to determine the role of this variant in disease. Therefore, it has been classified as a Variant of Uncertain Significance.

NM_001197104.2(KMT2A):c.6247G>C (p.Glu2083Gln)

Gene: KMT2A (lysine methyltransferase 2A; plus strand). Cytogenetic location: 11q23.3.
Variant type: single nucleotide variant.
Coding change: c.6247G>C on transcript NM_001197104.2 (MANE Select); coding-DNA position 6247, G replaced by C.
Protein change: p.Glu2083Gln; replaces glutamic acid 2083 with glutamine.
Molecular consequence: missense variant.
Genome position (GRCh38, 1-based): chr11:118,501,075, G>C. VCF-style: chr11-118501075-G-C. GRCh37 (hg19) VCF-style: chr11-118371790-G-C.
Other names: c.6337G>C, p.Glu2113Gln (NM_001412597.1); c.6238G>C, p.Glu2080Gln (NM_005933.4); short protein forms E2080Q, E2113Q, E2083Q.
Identifiers: ClinVar variation 3698691 (VCV003698691.2).